The following is an entry in ClinVar:

NM_015991.4(C1QA):c.622C>T (p.Gln208Ter)

Gene: C1QA (complement C1q A chain; plus strand). Cytogenetic location: 1p36.12.
Variant type: single nucleotide variant.
Coding change: c.622C>T on transcript NM_015991.4 (MANE Select); coding-DNA position 622, C replaced by T.
Protein change: p.Gln208Ter; replaces glutamine 208 with a stop codon.
Molecular consequence: nonsense.
Genome position (GRCh38, 1-based): chr1:22,639,291, C>T. VCF-style: chr1-22639291-C-T. GRCh37 (hg19) VCF-style: chr1-22965784-C-T.
Other names: C1QA, GLN186TER; Q186*; c.622C>T, p.Gln208Ter (NM_001347465.2, NM_001347466.2); short protein forms Q208*.
Identifiers: ClinVar variation 17073 (VCV000017073.7), dbSNP rs121909581, ClinGen allele CA127070.

ClinVar aggregate classification (germline): Pathogenic. Review status: criteria provided, multiple submitters, no conflicts (2 of 4 stars). 3 submissions from 3 submitters: Pathogenic (2). 1 of the submissions does not count toward it. Last evaluated 2025-11-23.

Conditions:
C1Q deficiency. Identifiers: MedGen C3150902, MONDO:0013343.

Allele frequency attached by ClinVar (database versions not stated): gnomAD exomes 0.00003 and 0.00004; ExAC 0.00006.

Submissions (3):

Labcorp Genetics (formerly Invitae), Labcorp
Classification: Pathogenic. Last evaluated: 2025-11-23. Review status: criteria provided, single submitter. Criteria: Invitae Variant Classification Sherloc (09022015). Collection method: clinical testing. Allele origin: germline.
Comment: This sequence change creates a premature translational stop signal (p.Gln208*) in the C1QA gene. While this is not anticipated to result in nonsense mediated decay, it is expected to disrupt the last 38 amino acid(s) of the C1QA protein. This variant is present in population databases (rs121909581, gnomAD 0.03%). This premature translational stop signal has been observed in individual(s) with C1q deficiency (PMID: 7594474, 8840296, 9225968, 21654842, 26563161, 29739689, 30008451). It has also been observed to segregate with disease in related individuals. This variant is also known as p.Gln186*. ClinVar contains an entry for this variant (Variation ID: 17073). For these reasons, this variant has been classified as Pathogenic.

Kasturba Medical College, Manipal, Kasturba Medical College, Manipal, Manipal Academy of Higher Education, Manipal, India
Classification: Pathogenic for C1Q deficiency 1. Review status: criteria provided, single submitter. Criteria: ACMG Guidelines, 2015. Collection method: clinical testing. Allele origin: biparental. Affected: yes.

OMIM
Classification: Pathogenic for C1q DEFICIENCY. Last evaluated: 1997-07-01. Review status: no assertion criteria provided. Collection method: literature only. Allele origin: germline. Not counted in ClinVar's aggregate classification.

Literature cited by the submitters: PubMed 7594474 (cited by Labcorp Genetics (formerly Invitae), Labcorp and OMIM); PubMed 8840296 (cited by Labcorp Genetics (formerly Invitae), Labcorp and OMIM); PubMed 9225968 (cited by Labcorp Genetics (formerly Invitae), Labcorp and OMIM); PubMed 21654842 (cited by Labcorp Genetics (formerly Invitae), Labcorp and OMIM); PubMed 26563161 (cited by Labcorp Genetics (formerly Invitae), Labcorp); PubMed 29739689 (cited by Labcorp Genetics (formerly Invitae), Labcorp); PubMed 30008451 (cited by Labcorp Genetics (formerly Invitae), Labcorp).